The following is an entry in ClinVar:

NM_003038.5(SLC1A4):c.234C>G (p.Pro78=)

Gene: SLC1A4 (solute carrier family 1 member 4; plus strand). Cytogenetic location: 2p14.
Variant type: single nucleotide variant.
Coding change: c.234C>G on transcript NM_003038.5 (MANE Select); coding-DNA position 234, C replaced by G.
Protein change: p.Pro78=; no amino-acid change (proline 78 retained).
Molecular consequence: synonymous variant. On other transcripts: intron variant (3).
Genome position (GRCh38, 1-based): chr2:64,989,877, C>G. VCF-style: chr2-64989877-C-G. GRCh37 (hg19) VCF-style: chr2-65217011-C-G.
Other names: c.-134+1257C>G (NM_001348406.2, NM_001193493.2); c.-134+1323C>G (NM_001348407.2); c.234C>G (NM_003038.4).
Identifiers: ClinVar variation 1165648 (VCV001165648.12), dbSNP rs375950011, ClinGen allele CA1685842.

ClinVar aggregate classification (germline): Benign/Likely benign. Review status: criteria provided, multiple submitters, no conflicts (2 of 4 stars). 3 submissions from 3 submitters: Benign (1); Likely benign (1). 1 of the submissions does not count toward it. Last evaluated 2026-01-21.

Conditions:
SLC1A4-related disorder. Also called: SLC1A4-related condition.

Allele frequency attached by ClinVar (database versions not stated): 1000 Genomes Project 0.00020; ExAC 0.00024; ESP Exome Variant Server 0.00032; 1000 Genomes Project 30x 0.00047; gnomAD 0.00080 and 0.00091; TOPMed 0.00090.
gnomAD v4.1: 249 of 1,544,248 alleles (0.016%); highest among the groups gnomAD compares: African/African-American, 0.29%; 1 homozygote.

Submissions (3):

Labcorp Genetics (formerly Invitae), Labcorp
Classification: Benign. Last evaluated: 2026-01-21. Review status: criteria provided, single submitter. Criteria: Invitae Variant Classification Sherloc (09022015). Collection method: clinical testing. Allele origin: germline.

Blueprint Genetics
Classification: Likely benign. Last evaluated: 2024-09-23. Review status: criteria provided, single submitter. Criteria: ACMG Guidelines, 2015. Collection method: clinical testing. Allele origin: germline.

PreventionGenetics, part of Exact Sciences
Classification: Likely benign for SLC1A4-related condition. Last evaluated: 2019-03-22. Review status: no assertion criteria provided. Collection method: clinical testing. Allele origin: germline. Not counted in ClinVar's aggregate classification.
Comment: This variant is classified as likely benign based on ACMG/AMP sequence variant interpretation guidelines (Richards et al. 2015 PMID: 25741868, with internal and published modifications).